The following is an entry in ClinVar:

ClinVar aggregate classification (germline): Likely benign (0 of 4 stars; one submission).

Conditions:
EP300-related disorder. Also called: EP300-related disorders; EP300-related condition.

Allele frequency attached by ClinVar (database versions not stated): TOPMed below 0.00001; gnomAD exomes 0.00003; ExAC 0.00004; gnomAD 0.00004.
gnomAD v4.1: 52 of 1,613,908 alleles (0.0032%); highest among the groups gnomAD compares: Non-Finnish European, 0.0029%; no homozygotes.

Submission:

PreventionGenetics, part of Exact Sciences
Classification: Likely benign for EP300-related condition. Last evaluated: 2021-05-19. Review status: no assertion criteria provided. Collection method: clinical testing. Allele origin: germline.
Comment: This variant is classified as likely benign based on ACMG/AMP sequence variant interpretation guidelines (Richards et al. 2015 PMID: 25741868, with internal and published modifications).

NM_001429.4(EP300):c.6369G>A (p.Gly2123=)

Gene: EP300 (E1A binding protein p300; plus strand). Cytogenetic location: 22q13.2.
Variant type: single nucleotide variant.
Coding change: c.6369G>A on transcript NM_001429.4 (MANE Select); coding-DNA position 6369, G replaced by A.
Protein change: p.Gly2123=; no amino-acid change (glycine 2123 retained).
Molecular consequence: synonymous variant.
Genome position (GRCh38, 1-based): chr22:41,178,080, G>A. VCF-style: chr22-41178080-G-A. GRCh37 (hg19) VCF-style: chr22-41574084-G-A.
Other names: c.6291G>A, p.Gly2097= (NM_001362843.2).
Identifiers: ClinVar variation 3036942 (VCV003036942.2), dbSNP rs770607097, ClinGen allele CA10253839.
Genomic context (GRCh38, chr22:41,178,080, plus strand): 5'-GCCTGGCATGCCCCAGGGGCAGCCAGGGCTACAGCCACCTACCATGCCAGGTCAGCAGGG[G>A]GTCCACTCCAATCCAGCCATGCAGAACATGAATCCAATGCAGGCGGGCGTTCAGAGGGCT-3'
Protein context (NP_001420.2, residues 2113-2133): LQPPTMPGQQ[Gly2123=]VHSNPAMQNM